The following is an entry in ClinVar:

NM_000477.7(ALB):c.616-3T>C

Gene: ALB (albumin; plus strand). Cytogenetic location: 4q13.3.
Variant type: single nucleotide variant.
Coding change: c.616-3T>C on transcript NM_000477.7 (MANE Select); 3 bases into the intron before coding-DNA position 616, T replaced by C.
Molecular consequence: intron variant.
Genome position (GRCh38, 1-based): chr4:73,410,309, T>C. VCF-style: chr4-73410309-T-C. GRCh37 (hg19) VCF-style: chr4-74276026-T-C.
Identifiers: ClinVar variation 349622 (VCV000349622.38), dbSNP rs61375018, ClinGen allele CA2959409.
Genomic context (GRCh38, chr4:73,410,309, plus strand): 5'-TATGGAGGGGTGTTTCATGTAGAATTTTTCTTCTAATTTTCATCAAATTATTCCTTTTTG[T>C]AGCTCGATGAACTTCGGGATGAAGGGAAGGCTTCGTCTGCCAAACAGAGACTCAAGTGTG-3'

ClinVar aggregate classification (germline): Benign. Review status: criteria provided, multiple submitters, no conflicts (2 of 4 stars). 4 submissions from 4 submitters: Benign (4). Last evaluated 2026-06-01.

Conditions:
Hyperthyroxinemia, familial dysalbuminemic (FDAH). Also called: EUTHYROID HYPERTHYROXINEMIA 1. Identifiers: MedGen C0342185, MONDO:0014448, OMIM 615999.

Allele frequency attached by ClinVar (database versions not stated): 1000 Genomes Project 0.00399; 1000 Genomes Project 30x 0.00437; gnomAD 0.00839 and 0.00846; gnomAD exomes 0.00840 and 0.01228; TOPMed 0.00871; ExAC 0.00888; ESP Exome Variant Server 0.00969.
gnomAD v4.1: 19,061 of 1,612,184 alleles (1.2%); highest among the groups gnomAD compares: Non-Finnish European, 1.5%; 162 homozygotes.

Submissions (4):

CeGaT Center for Human Genetics Tuebingen
Classification: Benign. Last evaluated: 2026-06-01. Review status: criteria provided, single submitter. Criteria: CeGaT Center For Human Genetics Tuebingen Variant Classification Criteria Version 2. Collection method: clinical testing. Allele origin: germline. Affected: yes. Observed: 3 variant alleles.
Comment: ALB: BP4, BS1, BS2

Labcorp Genetics (formerly Invitae), Labcorp
Classification: Benign. Last evaluated: 2026-01-27. Review status: criteria provided, single submitter. Criteria: Invitae Variant Classification Sherloc (09022015). Collection method: clinical testing. Allele origin: germline.

Illumina Laboratory Services, Illumina
Classification: Benign for Hyperthyroxinemia, familial dysalbuminemic. Last evaluated: 2018-01-13. Review status: criteria provided, single submitter. Criteria: ICSL Variant Classification Criteria 13 December 2019. Collection method: clinical testing. Allele origin: germline.
Comment: This variant was observed in the ICSL laboratory as part of a predisposition screen in an ostensibly healthy population. It had not been previously curated by ICSL or reported in the Human Gene Mutation Database (HGMD: prior to June 1st, 2018), and was therefore a candidate for classification through an automated scoring system. Utilizing variant allele frequency, disease prevalence and penetrance estimates, and inheritance mode, an automated score was calculated to assess if this variant is too frequent to cause the disease. Based on the score and internal cut-off values, a variant classified as benign is not then subjected to further curation. The score for this variant resulted in a classification of benign for this disease.

Breakthrough Genomics
Classification: Benign. Review status: criteria provided, single submitter. Criteria: ACMG Guidelines, 2015. Collection method: not provided. Allele origin: germline. Inheritance: Autosomal recessive inheritance. Affected: yes.